The following is an entry in ClinVar:

ClinVar aggregate classification (germline): Conflicting classifications of pathogenicity. Review status: criteria provided, conflicting classifications (1 of 4 stars). 2 submissions from 2 submitters: Pathogenic (1); Uncertain significance (1). Last evaluated 2021-07-14.

Conditions:
Hereditary cancer-predisposing syndrome. Also called: Tumor predisposition; Neoplastic Syndromes, Hereditary; Hereditary neoplastic syndrome; Hereditary Cancer Syndrome. Identifiers: Orphanet 140162, MedGen C0027672, MeSH D009386, MONDO:0015356.

Submissions (3):

Ambry Genetics
Classification: Pathogenic for Hereditary cancer-predisposing syndrome. Last evaluated: 2021-07-14. Review status: criteria provided, single submitter. Criteria: Ambry Variant Classification Scheme 2023. Collection method: clinical testing. Allele origin: germline.
Comment: The c.1108G>C pathogenic mutation (also known as p.G370R), located in coding exon 7 of the FH gene, results from a G to C substitution at nucleotide position 1108. The amino acid change results in glycine to arginine at codon 370, an amino acid with dissimilar properties. In silico splice site analysis predicts that this alteration will weaken the native splice donor site and RNA studies have demonstrated that this alteration results in abnormal splicing in the set of samples tested (Ambry internal data). This alteration has been observed in at least one individual with a personal and/or family history that is consistent with FH-related disease (Ambry internal data). This nucleotide position is highly conserved in available vertebrate species. Based on the supporting evidence, this alteration is interpreted as a disease-causing mutation.

Labcorp Genetics (formerly Invitae), Labcorp
Classification: Uncertain significance. Last evaluated: 2020-11-11. Review status: criteria provided, single submitter. Criteria: Invitae Variant Classification Sherloc (09022015). Collection method: clinical testing. Allele origin: germline.
Comment: Nucleotide substitutions within the consensus splice site are a relatively common cause of aberrant splicing (PMID: 17576681, 9536098). Algorithms developed to predict the effect of sequence changes on RNA splicing suggest that this variant may disrupt the consensus splice site, but this prediction has not been confirmed by published transcriptional studies. In summary, the available evidence is currently insufficient to determine the role of this variant in disease. Therefore, it has been classified as a Variant of Uncertain Significance. Algorithms developed to predict the effect of missense changes on protein structure and function (SIFT, PolyPhen-2, Align-GVGD) all suggest that this variant is likely to be disruptive, but these predictions have not been confirmed by published functional studies and their clinical significance is uncertain. This variant has been observed in individual(s) with leiomyomatosis (Invitae). This variant is not present in population databases (ExAC no frequency). This sequence change replaces glycine with arginine at codon 370 of the FH protein (p.Gly370Arg). The glycine residue is highly conserved and there is a moderate physicochemical difference between glycine and arginine. This variant also falls at the last nucleotide of exon 7 of the FH coding sequence, which is part of the consensus splice site for this exon.

Blake Wilde Laboratory, Roswell Park Comprehensive Cancer Center
No classification provided (evidence only). Condition: Hereditary leiomyomatosis and renal cell cancer. Review status: no classification provided. Collection method: in vitro. Allele origin: not applicable. Functional consequence: decreased enzyme activity. Not counted in ClinVar's aggregate classification.

Literature cited by the submitters: PubMed 17576681 (cited by Labcorp Genetics (formerly Invitae), Labcorp); PubMed 9536098 (cited by Labcorp Genetics (formerly Invitae), Labcorp).

NM_000143.4(FH):c.1108G>C (p.Gly370Arg)

Gene: FH (fumarate hydratase; minus strand). Cytogenetic location: 1q43.
Variant type: single nucleotide variant.
Coding change: c.1108G>C on transcript NM_000143.4 (MANE Select); coding-DNA position 1108, G replaced by C.
Protein change: p.Gly370Arg; replaces glycine 370 with arginine.
Molecular consequence: missense variant.
Genome position (GRCh38, 1-based): chr1:241,504,042, C>G on the plus strand (G>C on the coding strand, the complement: FH is on the minus strand). VCF-style: chr1-241504042-C-G. GRCh37 (hg19) VCF-style: chr1-241667342-C-G.
Other names: short protein forms G370R.
Identifiers: ClinVar variation 1037512 (VCV001037512.11), dbSNP rs1659848371, ClinGen allele CA345437868.